The following is an entry in ClinVar:

NM_001129.5(AEBP1):c.494C>T (p.Pro165Leu)

Gene: AEBP1 (AE binding protein 1; plus strand). Cytogenetic location: 7p13.
Variant type: single nucleotide variant.
Coding change: c.494C>T on transcript NM_001129.5 (MANE Select); coding-DNA position 494, C replaced by T.
Protein change: p.Pro165Leu; replaces proline 165 with leucine.
Molecular consequence: missense variant.
Genome position (GRCh38, 1-based): chr7:44,106,786, C>T. VCF-style: chr7-44106786-C-T. GRCh37 (hg19) VCF-style: chr7-44146385-C-T.
Other names: c.494C>T (NM_001129.4); short protein forms P165L.
Identifiers: ClinVar variation 2072773 (VCV002072773.3), dbSNP rs140913379, ClinGen allele CA4237486.
Genomic context (GRCh38, chr7:44,106,786, plus strand): 5'-AGCCACCCAAGGCCACCAAGAAGCCCAAAGAGAAGCCACCCAAGGCCACCAAGAAGCCCC[C>T]GTCAGGGAAGAGGCCCCCCATTCTGGCTCCCTCAGAAACCCTGGAGTGGCCACTGCCCCC-3'
Protein context (NP_001120.3, residues 155-175): EKPPKATKKP[Pro165Leu]SGKRPPILAP

ClinVar aggregate classification (germline): Uncertain significance. Review status: criteria provided, multiple submitters, no conflicts (2 of 4 stars). 3 submissions from 3 submitters: Uncertain significance (3). Last evaluated 2025-10-08.

Allele frequency attached by ClinVar (database versions not stated): gnomAD exomes 0.00003; gnomAD 0.00007; ExAC 0.00008; ESP Exome Variant Server 0.00015.

Submissions (3):

Women's Health and Genetics/Laboratory Corporation of America, LabCorp
Classification: Uncertain significance. Last evaluated: 2025-10-08. Review status: criteria provided, single submitter. Criteria: LabCorp Variant Classification Summary - May 2015. Collection method: clinical testing. Allele origin: germline.
Comment: Variant summary: AEBP1 c.494C>T (p.Pro165Leu) results in a non-conservative amino acid change in the encoded protein sequence. Algorithms developed to predict the effect of missense changes on protein structure and function are either unavailable or do not agree on the potential impact of this missense change. The variant allele was found at a frequency of 4.1e-05 in 244774 control chromosomes. This frequency is not significantly higher than estimated for disease-causing variants in AEBP1, allowing no conclusion about variant significance. To our knowledge, no occurrence of c.494C>T in individuals affected with AEBP1-related conditions and no experimental evidence demonstrating its impact on protein function have been reported. ClinVar contains an entry for this variant (Variation ID: 2072773). Based on the evidence outlined above, the variant was classified as uncertain significance.

GeneDx
Classification: Uncertain significance. Last evaluated: 2024-09-03. Review status: criteria provided, single submitter. Criteria: GeneDx Variant Classification Process June 2021. Collection method: clinical testing. Allele origin: germline. Affected: yes.
Comment: In silico analysis supports that this missense variant has a deleterious effect on protein structure/function; Has not been previously published as pathogenic or benign to our knowledge

Labcorp Genetics (formerly Invitae), Labcorp
Classification: Uncertain significance. Last evaluated: 2022-01-21. Review status: criteria provided, single submitter. Criteria: Invitae Variant Classification Sherloc (09022015). Collection method: clinical testing. Allele origin: germline.
Comment: This sequence change replaces proline, which is neutral and non-polar, with leucine, which is neutral and non-polar, at codon 165 of the AEBP1 protein (p.Pro165Leu). This variant is present in population databases (rs140913379, gnomAD 0.01%). This variant has not been reported in the literature in individuals affected with AEBP1-related conditions. Algorithms developed to predict the effect of missense changes on protein structure and function output the following: SIFT: "Tolerated"; PolyPhen-2: "Not Available"; Align-GVGD: "Class C0". The leucine amino acid residue is found in multiple mammalian species, which suggests that this missense change does not adversely affect protein function. In summary, the available evidence is currently insufficient to determine the role of this variant in disease. Therefore, it has been classified as a Variant of Uncertain Significance.